The following is an entry in ClinVar:

ClinVar aggregate classification (germline): Benign/Likely benign. Review status: criteria provided, multiple submitters, no conflicts (2 of 4 stars). 4 submissions from 4 submitters: Benign (1); Likely benign (3). Last evaluated 2025-12-14.

Conditions:
Hereditary cancer-predisposing syndrome. Also called: Hereditary Cancer Syndrome; Neoplastic Syndromes, Hereditary; Tumor predisposition; Hereditary neoplastic syndrome. Identifiers: Orphanet 140162, MedGen C0027672, MeSH D009386, MONDO:0015356.
Fanconi anemia complementation group J. Also called: BRIP1-Related Fanconi Anemia. Identifiers: Orphanet 84, MedGen C1836860, MONDO:0012187, OMIM 609054.
Familial cancer of breast. Also called: Hereditary breast cancer; hereditary breast carcinoma; BREAST CANCER, FAMILIAL. Identifiers: Orphanet 227535, MedGen C0346153, MONDO:0016419, OMIM 114480. Disease mechanism: loss of function.

gnomAD v4.1: 4 of 1,614,044 alleles (0.00025%); highest among the groups gnomAD compares: Non-Finnish European, 0.00034%; no homozygotes.

Submissions (4):

Labcorp Genetics (formerly Invitae), Labcorp
Classification: Likely benign for Familial cancer of breast; Fanconi anemia complementation group J. Last evaluated: 2025-12-14. Review status: criteria provided, single submitter. Criteria: Invitae Variant Classification Sherloc (09022015). Collection method: clinical testing. Allele origin: germline.

Myriad Genetics, Inc.
Classification: Benign for Familial cancer of breast. Last evaluated: 2024-08-21. Review status: criteria provided, single submitter. Criteria: Myriad Autosomal Dominant, Autosomal Recessive and X-Linked Classification Criteria (2023). Collection method: clinical testing. Allele origin: unknown.
Comment: This variant is considered benign. This variant is a silent/synonymous amino acid change and it is not expected to impact splicing.

Color Diagnostics, LLC DBA Color Health
Classification: Likely benign for Hereditary cancer-predisposing syndrome. Last evaluated: 2022-06-29. Review status: criteria provided, single submitter. Criteria: ACMG Guidelines, 2015. Collection method: clinical testing. Allele origin: germline.

Ambry Genetics
Classification: Likely benign for Hereditary cancer-predisposing syndrome. Last evaluated: 2015-01-20. Review status: criteria provided, single submitter. Criteria: Ambry Variant Classification Scheme 2023. Collection method: clinical testing. Allele origin: germline.

NM_032043.3(BRIP1):c.291C>T (p.Asn97=)

Gene: BRIP1 (BRCA1 interacting DNA helicase 1; minus strand). Cytogenetic location: 17q23.2.
Variant type: single nucleotide variant.
Coding change: c.291C>T on transcript NM_032043.3 (MANE Select); coding-DNA position 291, C replaced by T.
Protein change: p.Asn97=; no amino-acid change (asparagine 97 retained).
Molecular consequence: synonymous variant.
Genome position (GRCh38, 1-based): chr17:61,857,146, G>A on the plus strand (C>T on the coding strand, the complement: BRIP1 is on the minus strand). VCF-style: chr17-61857146-G-A. GRCh37 (hg19) VCF-style: chr17-59934507-G-A.
Identifiers: ClinVar variation 230204 (VCV000230204.13), dbSNP rs766561078, ClinGen allele CA10580888.